The following is an entry in ClinVar:

NM_002578.5(PAK3):c.1585A>G (p.Thr529Ala)

Gene: PAK3 (p21 (RAC1) activated kinase 3; plus strand). Cytogenetic location: Xq23.
Variant type: single nucleotide variant.
Coding change: c.1585A>G on transcript NM_002578.5 (MANE Select); coding-DNA position 1585, A replaced by G.
Protein change: p.Thr529Ala; replaces threonine 529 with alanine.
Molecular consequence: missense variant. On other transcripts: non-coding transcript variant (2).
Genome position (GRCh38, 1-based): chrX:111,220,397, A>G. VCF-style: chrX-111220397-A-G. GRCh37 (hg19) VCF-style: chrX-110463625-A-G.
Other names: c.1585A>G, p.Thr529Ala (NM_001128166.3, NM_001128167.3, NM_001324325.2 and 5 more transcripts); c.1693A>G, p.Thr565Ala (NM_001128168.3); c.1648A>G, p.Thr550Ala (NM_001128172.2); c.1630A>G, p.Thr544Ala (NM_001128173.3, NM_001324327.2, NM_001324328.2 and 2 more transcripts); short protein forms T529A, T544A, T550A, T565A.
Identifiers: ClinVar variation 4082588 (VCV004082588.2).

ClinVar aggregate classification (germline): Uncertain significance (1 of 4 stars; one submission).

gnomAD v4.1: 2 of 1,204,080 alleles (0.00017%); no homozygotes.

Submission:

GeneDx
Classification: Uncertain significance. Last evaluated: 2025-09-28. Review status: criteria provided, single submitter. Criteria: GeneDx Variant Classification Process June 2021. Collection method: clinical testing. Allele origin: germline.
Comment: Not observed at significant frequency in large population cohorts (gnomAD); In silico analysis supports that this missense variant has a deleterious effect on protein structure/function; Has not been previously published as pathogenic or benign to our knowledge